The following is an entry in ClinVar:

ClinVar aggregate classification (germline): Uncertain significance (1 of 4 stars; one submission).

Submission:

GeneDx
Classification: Uncertain significance. Last evaluated: 2024-09-21. Review status: criteria provided, single submitter. Criteria: GeneDx Variant Classification Process June 2021. Collection method: clinical testing. Allele origin: germline. Affected: yes.
Comment: Frameshift variant predicted to result in abnormal protein length as the last 28 amino acid(s) are replaced with 10 different amino acid(s); Not observed in large population cohorts (gnomAD); Has not been previously published as pathogenic or benign to our knowledge

NM_005660.3(SLC35A2):c.1096_1163+217delinsCGGGAGG

Gene: SLC35A2 (solute carrier family 35 member A2; minus strand). Cytogenetic location: Xp11.23.
Variant type: Indel.
Coding change: c.1096_1163+217delinsCGGGAGG on transcript NM_005660.3 (MANE Select); coding-DNA position 1096 through 217 bases into the intron after coding-DNA position 1163, the reference bases replaced by CGGGAGG.
Molecular consequence: splice donor variant. On other transcripts: frameshift variant (6).
Genome position (GRCh38, 1-based): chrX:48,904,529-48,904,813, 285 bases replaced. GRCh37 (hg19): chrX:48,761,806-48,762,090.
Other names: c.506_*61delinsCGGGAGG, p.Arg169fs (NM_001032289.3); c.1096_*198delinsCGGGAGG, p.Gly366fs (NM_001042498.3); c.434_*61delinsCGGGAGG, p.Arg145fs (NM_001282648.2); c.913_*198delinsCGGGAGG, p.Gly305fs (NM_001282649.2); c.1135_*198delinsCGGGAGG, p.Gly379fs (NM_001282650.2); c.1180_*198delinsCGGGAGG, p.Gly394fs (NM_001282651.2); c.506_573+217delinsCGGGAGG (NM_001282647.2); short protein forms G305fs, G366fs, G379fs, G394fs, R145fs, R169fs.
Identifiers: ClinVar variation 1310071 (VCV001310071.3), dbSNP rs2147484024, ClinGen allele CA2573055342.